The following is an entry in ClinVar:

NM_004370.6(COL12A1):c.5215G>A (p.Gly1739Ser)

Gene: COL12A1 (collagen type XII alpha 1 chain; minus strand). Cytogenetic location: 6q13.
Variant type: single nucleotide variant.
Coding change: c.5215G>A on transcript NM_004370.6 (MANE Select); coding-DNA position 5215, G replaced by A.
Protein change: p.Gly1739Ser; replaces glycine 1739 with serine.
Molecular consequence: missense variant.
Genome position (GRCh38, 1-based): chr6:75,138,463, C>T on the plus strand (G>A on the coding strand, the complement: COL12A1 is on the minus strand). VCF-style: chr6-75138463-C-T. GRCh37 (hg19) VCF-style: chr6-75848179-C-T.
Other names: c.1723G>A, p.Gly575Ser (NM_080645.3); short protein forms G1739S, G575S.
Identifiers: ClinVar variation 1720275 (VCV001720275.6), dbSNP rs764434325, ClinGen allele CA364738592.
Genomic context (GRCh38, chr6:75,138,463, plus strand): 5'-TTAACTTTAAAATATCAATGTCCTATTTGAAAGCTAAACACCTACGTGTGCGCTCACTGC[C>T]AATCAGGTCATCACTTTCTGACTCATCAGGATAGATGGCAGTAATGGAAACTTCATAGAT-3'
Protein context (NP_004361.3, residues 1729-1749): PDESESDDLI[Gly1739Ser]SERTLPILTT

ClinVar aggregate classification (germline): Uncertain significance (1 of 4 stars; one submission).

Conditions:
Ullrich congenital muscular dystrophy 2 (UCMD2). Identifiers: Orphanet 75840, MedGen C4225314, MONDO:0014654, OMIM 616470.
Bethlem myopathy 2 (BTHLM2). Identifiers: Orphanet 536516, Orphanet 610, MedGen C4225313, MONDO:0034022, OMIM 616471.

Allele frequency attached by ClinVar (database versions not stated): TOPMed below 0.00001.

Submission:

Labcorp Genetics (formerly Invitae), Labcorp
Classification: Uncertain significance for Bethlem myopathy 2; Ullrich congenital muscular dystrophy 2. Last evaluated: 2022-09-24. Review status: criteria provided, single submitter. Criteria: Invitae Variant Classification Sherloc (09022015). Collection method: clinical testing. Allele origin: germline.
Comment: This variant has not been reported in the literature in individuals affected with COL12A1-related conditions. In summary, the available evidence is currently insufficient to determine the role of this variant in disease. Therefore, it has been classified as a Variant of Uncertain Significance. Advanced modeling of protein sequence and biophysical properties (such as structural, functional, and spatial information, amino acid conservation, physicochemical variation, residue mobility, and thermodynamic stability) performed at Invitae indicates that this missense variant is not expected to disrupt COL12A1 protein function. This variant is not present in population databases (gnomAD no frequency). This sequence change replaces glycine, which is neutral and non-polar, with serine, which is neutral and polar, at codon 1739 of the COL12A1 protein (p.Gly1739Ser).